The following is an entry in ClinVar:

NM_000520.6(HEXA):c.298G>T (p.Val100Phe)

Gene: HEXA (hexosaminidase subunit alpha; minus strand). Cytogenetic location: 15q23.
Variant type: single nucleotide variant.
Coding change: c.298G>T on transcript NM_000520.6 (MANE Select); coding-DNA position 298, G replaced by T.
Protein change: p.Val100Phe; replaces valine 100 with phenylalanine.
Molecular consequence: missense variant. On other transcripts: non-coding transcript variant (1).
Genome position (GRCh38, 1-based): chr15:72,356,573, C>A on the plus strand (G>T on the coding strand, the complement: HEXA is on the minus strand). VCF-style: chr15-72356573-C-A. GRCh37 (hg19) VCF-style: chr15-72648914-C-A.
Other names: c.331G>T, p.Val111Phe (NM_001318825.2); short protein forms V100F, V111F.
Identifiers: ClinVar variation 195081 (VCV000195081.10), dbSNP rs794727250, ClinGen allele CA241352.

ClinVar aggregate classification (germline): Uncertain significance. Review status: criteria provided, multiple submitters, no conflicts (2 of 4 stars). 3 submissions from 3 submitters: Uncertain significance (2). 1 of the submissions does not count toward it. Last evaluated 2022-07-26.

Conditions:
Tay-Sachs disease (TSD). Also called: HEXA DEFICIENCY; GM2 gangliosidosis, type 1; Hexosaminidase alpha-subunit deficiency (variant B); Sphingolipidosis, Tay-Sachs; Hexosaminidase A Deficiency; HEXA Disorders. Identifiers: Orphanet 845, MedGen C0039373, MONDO:0010100, OMIM 272800.

Allele frequency attached by ClinVar (database versions not stated): gnomAD exomes below 0.00001.
gnomAD v4.1: 1 of 1,614,100 alleles (0.000062%); highest among the groups gnomAD compares: South Asian, 0.0011%; no homozygotes.

Submissions (3):

Labcorp Genetics (formerly Invitae), Labcorp
Classification: Uncertain significance for Tay-Sachs disease. Last evaluated: 2022-07-26. Review status: criteria provided, single submitter. Criteria: Invitae Variant Classification Sherloc (09022015). Collection method: clinical testing. Allele origin: germline.
Comment: This sequence change replaces valine, which is neutral and non-polar, with phenylalanine, which is neutral and non-polar, at codon 100 of the HEXA protein (p.Val100Phe). This variant is not present in population databases (gnomAD no frequency). This variant has not been reported in the literature in individuals affected with HEXA-related conditions. ClinVar contains an entry for this variant (Variation ID: 195081). Algorithms developed to predict the effect of missense changes on protein structure and function (SIFT, PolyPhen-2, Align-GVGD) all suggest that this variant is likely to be tolerated. In summary, the available evidence is currently insufficient to determine the role of this variant in disease. Therefore, it has been classified as a Variant of Uncertain Significance.

Eurofins Ntd Llc (ga)
Classification: Uncertain significance. Last evaluated: 2014-12-30. Review status: criteria provided, single submitter. Criteria: EGL Classification Definitions 2015. Collection method: clinical testing. Allele origin: germline. Observed: 1 variant allele, 1 heterozygote.

Natera, Inc.
Classification: Uncertain significance for Tay-Sachs disease. Last evaluated: 2020-10-29. Review status: no assertion criteria provided. Collection method: clinical testing. Allele origin: germline. Not counted in ClinVar's aggregate classification.